The following is an entry in ClinVar:

ClinVar aggregate classification (germline): Uncertain significance. Review status: criteria provided, multiple submitters, no conflicts (2 of 4 stars). 3 submissions from 3 submitters: Uncertain significance (3). Last evaluated 2025-01-17.

Conditions:
Cohen syndrome (COH1). Also called: PEPPER SYNDROME; Cutis verticis gyrata, retinitis pigmentosa, and sensorineural deafness. Identifiers: Orphanet 193, MedGen C0265223, MONDO:0008999, OMIM 216550.
VPS13B-related disorder. Also called: VPS13B-related condition.

Allele frequency attached by ClinVar (database versions not stated): gnomAD exomes below 0.00001; ExAC 0.00001; gnomAD 0.00001; TOPMed 0.00001.

Submissions (3):

PreventionGenetics, part of Exact Sciences
Classification: Uncertain significance for VPS13B-related condition. Last evaluated: 2025-01-17. Review status: criteria provided, single submitter. Criteria: ACMG Guidelines, 2015. Collection method: clinical testing. Allele origin: germline.
Comment: The VPS13B c.3391A>G variant is predicted to result in the amino acid substitution p.Met1131Val. To our knowledge, this variant has not been reported in the literature. This variant is reported in 0.0055% of alleles in individuals of East Asian descent in gnomAD. At this time, the clinical significance of this variant is uncertain due to the absence of conclusive functional and genetic evidence.

Blueprint Genetics
Classification: Uncertain significance. Last evaluated: 2024-10-07. Review status: criteria provided, single submitter. Criteria: ACMG Guidelines, 2015. Collection method: clinical testing. Allele origin: germline.

Labcorp Genetics (formerly Invitae), Labcorp
Classification: Uncertain significance for Cohen syndrome. Last evaluated: 2022-10-13. Review status: criteria provided, single submitter. Criteria: Invitae Variant Classification Sherloc (09022015). Collection method: clinical testing. Allele origin: germline.
Comment: This sequence change replaces methionine, which is neutral and non-polar, with valine, which is neutral and non-polar, at codon 1131 of the VPS13B protein (p.Met1131Val). This variant is not present in population databases (gnomAD no frequency). This variant has not been reported in the literature in individuals affected with VPS13B-related conditions. ClinVar contains an entry for this variant (Variation ID: 1450469). Advanced modeling of protein sequence and biophysical properties (such as structural, functional, and spatial information, amino acid conservation, physicochemical variation, residue mobility, and thermodynamic stability) performed at Invitae indicates that this missense variant is not expected to disrupt VPS13B protein function. In summary, the available evidence is currently insufficient to determine the role of this variant in disease. Therefore, it has been classified as a Variant of Uncertain Significance.

NM_152564.5(VPS13B):c.3391A>G (p.Met1131Val)

Gene: VPS13B (vacuolar protein sorting 13 homolog B; plus strand). Cytogenetic location: 8q22.2.
Variant type: single nucleotide variant.
Coding change: c.3391A>G on transcript NM_152564.5 (MANE Select); coding-DNA position 3391, A replaced by G.
Protein change: p.Met1131Val; replaces methionine 1131 with valine.
Molecular consequence: missense variant.
Genome position (GRCh38, 1-based): chr8:99,442,581, A>G. VCF-style: chr8-99442581-A-G. GRCh37 (hg19) VCF-style: chr8-100454809-A-G.
Other names: c.3391A>G, p.Met1131Val (NM_017890.5); c.3391A>G (NM_152564.4); short protein forms M1131V.
Identifiers: ClinVar variation 1450469 (VCV001450469.7), dbSNP rs769263049, ClinGen allele CA4823239.
Genomic context (GRCh38, chr8:99,442,581, plus strand): 5'-CCGGGAACACTTGTCCTCTGTTTGCCTCAAATAAAGATTATTAGTGCTGGGCACAAGTAT[A>G]TGGAACCTCTGCAGGAGATTCCATTTGTTATCCCACGACCCATCCTTGAAGAAGGTATAT-3'
Protein context (NP_689777.3, residues 1121-1141): IKIISAGHKY[Met1131Val]EPLQEIPFVI